The following is an entry in ClinVar:

ClinVar aggregate classification (germline): Pathogenic (1 of 4 stars; one submission).

Conditions:
Kufor-Rakeb syndrome (KRS). Also called: PARKINSON DISEASE 9, AUTOSOMAL RECESSIVE, JUVENILE-ONSET. Identifiers: Orphanet 306674, Orphanet 314632, MedGen C1847640, MONDO:0011706, OMIM 606693.
Autosomal recessive spastic paraplegia type 78. Identifiers: Orphanet 513436, MedGen C5567893, MONDO:0014975, OMIM 617225.

Submission:

Labcorp Genetics (formerly Invitae), Labcorp
Classification: Pathogenic for Kufor-Rakeb syndrome; Autosomal recessive spastic paraplegia type 78. Last evaluated: 2020-02-17. Review status: criteria provided, single submitter. Criteria: Invitae Variant Classification Sherloc (09022015). Collection method: clinical testing. Allele origin: germline.
Comment: For these reasons, this variant has been classified as Pathogenic. This sequence change creates a premature translational stop signal (p.Leu716*) in the ATP13A2 gene. It is expected to result in an absent or disrupted protein product. This variant is not present in population databases (ExAC no frequency). This variant has not been reported in the literature in individuals with ATP13A2-related conditions. Loss-of-function variants in ATP13A2 are known to be pathogenic (PMID: 16964263, 21696388).

Literature cited by the submitters: PubMed 16964263; PubMed 21696388.

NM_022089.4(ATP13A2):c.2146del (p.Asp715_Leu716insTer)

Gene: ATP13A2 (ATPase cation transporting 13A2; minus strand). Cytogenetic location: 1p36.13.
Variant type: Deletion.
Coding change: c.2146del on transcript NM_022089.4 (MANE Select); coding-DNA position 2146, one base deleted (C; older notation c.2146delC).
Protein change: p.Asp715_Leu716insTer.
Molecular consequence: nonsense.
Genome position (GRCh38, 1-based): chr1:16,991,839, G deleted on the plus strand (C on the coding strand, the reverse complement: ATP13A2 is on the minus strand); the first of 2 consecutive G bases (chr1:16,991,839-16,991,840); deleting either gives the same sequence. VCF-style (leftmost placement, unchanged base first): chr1-16991838-AG-A. GRCh37 (hg19) VCF-style: chr1-17318333-AG-A.
Other names: c.2131del, p.Asp710_Leu711insTer (NM_001141973.3, NM_001141974.3).
Identifiers: ClinVar variation 1075284 (VCV001075284.5), dbSNP rs2100768788, ClinGen allele CA2499214293.
Genomic context (GRCh38, chr1:16,991,838, plus strand): 5'-ATAACTGGCGTTGTCTGCGGCTTCAGTAGGTTCCTCATGACCAGCAGCCCCAGGAGGCTC[AG>A]GTCTCCTTCCACAGTGTCCCTGGAGGGTGGGCAGACCTGGATCAGAGGTCATGCAGTGGC-3'